The following is an entry in ClinVar:

NM_001384140.1(PCDH15):c.4578_4585del (p.Tyr1527fs)

Gene: PCDH15 (protocadherin related 15; minus strand). Cytogenetic location: 10q21.1.
Variant type: Deletion.
Coding change: c.4578_4585del on transcript NM_001384140.1 (MANE Select); coding-DNA positions 4578 to 4585, 8 bases deleted (ATATGGGA; older notation c.4578_4585delATATGGGA).
Protein change: p.Tyr1527fs; shifts the reading frame from tyrosine 1527.
Molecular consequence: frameshift variant.
Genome position (GRCh38, 1-based): chr10:53,810,642-53,810,649, TCCCATAT deleted on the plus strand (ATATGGGA on the coding strand, the reverse complement: PCDH15 is on the minus strand); deleting any 8 consecutive bases within chr10:53,810,642-53,810,650 gives the same sequence; the c. name uses the placement nearest the transcript's 3' end. VCF-style (leftmost placement, unchanged base first): chr10-53810641-CTCCCATAT-C. GRCh37 (hg19) VCF-style: chr10-55570401-CTCCCATAT-C.
Other names: c.4424_4431delAATATGGG, p.Tyr1476Serfs (NM_001142769.4); c.4460_4467del, p.Asn1487fs (NM_001142770.3); c.4404_4411del, p.Tyr1469fs (NM_001142771.2, NM_001354411.2); c.4389_4396del, p.Tyr1464fs (NM_001142772.2); c.4383_4390del, p.Tyr1462fs (NM_001354420.2); c.4512_4519del, p.Tyr1505fs (NM_001354429.2); short protein forms Y1476fs, N1487fs, Y1505fs, Y1527fs, Y1464fs, Y1462fs, Y1469fs.
Identifiers: ClinVar variation 4986393 (VCV004986393.1).

ClinVar aggregate classification (germline): Likely pathogenic (1 of 4 stars; one submission).

Conditions:
PCDH15-related disorder. Also called: PCDH15-related condition; PCDH15-related disorders.

Submission:

PreventionGenetics, part of Exact Sciences
Classification: Likely pathogenic for PCDH15-related condition. Last evaluated: 2026-09-17. Review status: criteria provided, single submitter. Criteria: ACMG Guidelines, 2015. Collection method: clinical testing. Allele origin: germline.
Comment: The PCDH15 c.4404_4411del8 variant is predicted to result in a frameshift and premature protein termination (p.Tyr1469Serfs*15). To our knowledge, this variant has not been reported in the literature or in a large population database (gnomAD), indicating this variant is rare. Frameshift variants in PCDH15 are expected to be pathogenic. This variant is interpreted as likely pathogenic.